The following is an entry in ClinVar:

NM_014915.3(ANKRD26):c.2096A>G (p.Glu699Gly)

Gene: ANKRD26 (ankyrin repeat domain 26; minus strand). Cytogenetic location: 10p12.1.
Variant type: single nucleotide variant.
Coding change: c.2096A>G on transcript NM_014915.3 (MANE Select); coding-DNA position 2096, A replaced by G.
Protein change: p.Glu699Gly; replaces glutamic acid 699 with glycine.
Molecular consequence: missense variant.
Genome position (GRCh38, 1-based): chr10:27,043,491, T>C on the plus strand (A>G on the coding strand, the complement: ANKRD26 is on the minus strand). VCF-style: chr10-27043491-T-C. GRCh37 (hg19) VCF-style: chr10-27332420-T-C.
Other names: c.2093A>G, p.Glu698Gly (NM_001256053.2); short protein forms E698G, E699G.
Identifiers: ClinVar variation 4859671 (VCV004859671.1).

ClinVar aggregate classification (germline): Uncertain significance (1 of 4 stars; one submission).

Conditions:
Inborn genetic diseases. Identifiers: MedGen C0950123, MeSH D030342.

Submission:

Ambry Genetics
Classification: Uncertain significance for Inborn genetic diseases. Last evaluated: 2026-05-14. Review status: criteria provided, single submitter. Criteria: Ambry Variant Classification Scheme 2023. Collection method: clinical testing. Allele origin: germline.
Comment: The p.E699G variant (also known as c.2096A>G), located in coding exon 20 of the ANKRD26 gene, results from an A to G substitution at nucleotide position 2096. The glutamic acid at codon 699 is replaced by glycine, an amino acid with similar properties. This amino acid position is conserved. In addition, this alteration is predicted to be tolerated by in silico analysis. Based on the available evidence, the clinical significance of this variant remains unclear.